The following is an entry in ClinVar:

ClinVar aggregate classification (germline): Conflicting classifications of pathogenicity. Review status: criteria provided, conflicting classifications (1 of 4 stars). 12 submissions from 12 submitters: Uncertain significance (8); Benign (1); Likely benign (3). Last evaluated 2026-06-11.

Conditions:
POLE-related disorder. Also called: POLE-related disorders; POLE-related condition.
Hereditary cancer-predisposing syndrome. Also called: Neoplastic Syndromes, Hereditary; Hereditary neoplastic syndrome; Hereditary Cancer Syndrome; Tumor predisposition. Identifiers: Orphanet 140162, MedGen C0027672, MeSH D009386, MONDO:0015356.
Colorectal cancer, susceptibility to, 12 (CRCS12). Also called: COLORECTAL CANCER, SUSCEPTIBILITY TO, ON CHROMOSOME 12q24. Identifiers: Orphanet 220460, MedGen C3554460, MONDO:0014038, OMIM 615083.
Familial colorectal cancer. Identifiers: MedGen CN280943, MONDO:0023113. Disease mechanism: loss of function.

Allele frequency attached by ClinVar (database versions not stated): 1000 Genomes Project 30x 0.00016; ExAC 0.00030; TOPMed 0.00032; gnomAD exomes 0.00033 and 0.00071; gnomAD 0.00038 and 0.00040; ESP Exome Variant Server 0.00054.
gnomAD v4.1: 1,055 of 1,567,410 alleles (0.067%); highest among the groups gnomAD compares: Non-Finnish European, 0.086%; no homozygotes.

Submissions (12):

PreventionGenetics, part of Exact Sciences
Classification: Likely benign for POLE-related condition. Last evaluated: 2026-06-11. Review status: criteria provided, single submitter. Criteria: ACMG Guidelines, 2015. Collection method: clinical testing. Allele origin: germline.
Comment: This variant is classified as likely benign based on ACMG/AMP sequence variant interpretation guidelines (Richards et al. 2015 PMID: 25741868, with internal and published modifications).

St. Jude Molecular Pathology, St. Jude Children's Research Hospital
Classification: Uncertain significance for Colorectal cancer, susceptibility to, 12. Last evaluated: 2026-02-11. Review status: criteria provided, single submitter. Criteria: St. Jude Assertion Criteria 2020. Collection method: clinical testing. Allele origin: germline.
Comment: The POLE c.2171C>T p.(Ala724Val) missense change has a maximum subpopulation frequency of 0.063% in gnomAD v2.1.1. The in silico tool REVEL predicts a benign effect of this variant on protein function, but to our knowledge functional studies have not been performed. To our knowledge, this variant has not been reported in individuals with POLE-related disease. In summary, the evidence currently available is insufficient to determine the clinical significance of this variant. It has therefore been classified as of uncertain significance.

Labcorp Genetics (formerly Invitae), Labcorp
Classification: Likely benign. Last evaluated: 2026-02-04. Review status: criteria provided, single submitter. Criteria: Invitae Variant Classification Sherloc (09022015). Collection method: clinical testing. Allele origin: germline.

Center for Genomic Medicine, Rigshospitalet, Copenhagen University Hospital
Classification: Uncertain significance. Last evaluated: 2025-03-04. Review status: criteria provided, single submitter. Criteria: ACMG Guidelines, 2015. Collection method: clinical testing. Allele origin: germline.

Blueprint Genetics
Classification: Uncertain significance. Last evaluated: 2024-11-22. Review status: criteria provided, single submitter. Criteria: ACMG Guidelines, 2015. Collection method: clinical testing. Allele origin: germline.

ARUP Laboratories, Molecular Genetics and Genomics, ARUP Laboratories
Classification: Uncertain significance. Last evaluated: 2024-04-13. Review status: criteria provided, single submitter. Criteria: ARUP Molecular Germline Variant Investigation Process 2024. Collection method: clinical testing. Allele origin: germline.
Comment: The POLE c.2171C>T; p.Ala724Val variant (rs61734163; ClinVar Variation ID: 240427) is reported in the literature in several individuals with a personal or family history of cancer, but it has not been demonstrated to be disease-causing (Dominguez-Valentin 2018, Mio 2021, McDonald and Ricks-Santi 2022). This variant is found in the non-Finnish European population with an allele frequency of 0.06% (73/ 116480 alleles) in the Genome Aggregation Database (v2.1.1). Computational analyses predict that this variant is neutral (REVEL: 0.136). This variant is not located in the exonuclease domain (Palles 2013), and gene-disease association has not been established for variants outside of the exonuclease domain (Seifert 2019). However, due to limited information, the clinical significance of this variant is uncertain at this time. References: Dominguez-Valentin M et al. Genetic variants of prospectively demonstrated phenocopies in BRCA1/2 kindreds. Hered Cancer Clin Pract. 2018 Jan 15;16:4. PMID: 29371908 McDonald JT and Ricks-Santi LJ. Hereditary variants of unknown significance in African American women with breast cancer. PLoS One. 2022 Oct 31;17(10):e0273835. PMID: 36315513 Mio C et al. Rare germline variants in DNA repair-related genes are accountable for papillary thyroid cancer susceptibility. Endocrine. 2021 Sep;73(3):648-657. PMID: 33821390 Seifert BA et al. Determining the clinical validity of hereditary colorectal cancer and polyposis susceptibility genes using the Clinical Genome Resource Clinical Validity Framework. Genet Med. 2019 Jul;21(7):1507-1516.

Ambry Genetics
Classification: Likely benign for Hereditary cancer-predisposing syndrome. Last evaluated: 2024-02-27. Review status: criteria provided, single submitter. Criteria: Ambry Variant Classification Scheme 2023. Collection method: clinical testing. Allele origin: germline.

Sema4
Classification: Benign for Hereditary cancer-predisposing syndrome. Last evaluated: 2021-02-07. Review status: criteria provided, single submitter. Criteria: Sema4 Curation Guidelines. Collection method: curation. Allele origin: germline.

Genetic Services Laboratory, University of Chicago
Classification: Uncertain significance. Last evaluated: 2021-01-08. Review status: criteria provided, single submitter. Criteria: ACMG Guidelines, 2015. Collection method: clinical testing. Allele origin: germline. Affected: no.
Comment: DNA sequence analysis of the POLE gene demonstrated a sequence change, c.2171C>T, in exon 19 that results in an amino acid change, p.Ala724Val. This sequence change has been described in the gnomAD database with a frequency of 0.063% in the European population (dbSNP rs61734163). The p.Ala724Val change has been identified in two BRCA1 and BRCA2 negative individuals with breast or gynecologic cancer (PMID: 29371908). The p.Ala724Val change affects a moderately conserved amino acid residue located in a domain of the POLE protein that is known to be functional. In-silico pathogenicity prediction tools (SIFT, PolyPhen2, Align GVGD, REVEL) provide contradictory results for the p.Ala724Val substitution. Due to these contrasting evidences and the lack of functional studies, the clinical significance of the p.Ala724Val change remains unknown at this time.

Quest Diagnostics Nichols Institute San Juan Capistrano
Classification: Uncertain significance. Last evaluated: 2019-05-07. Review status: criteria provided, single submitter. Criteria: Quest Diagnostics criteria. Collection method: clinical testing. Allele origin: germline.

GeneDx
Classification: Uncertain significance. Last evaluated: 2018-11-19. Review status: criteria provided, single submitter. Criteria: GeneDx Variant Classification (06012015). Collection method: clinical testing. Allele origin: germline. Affected: yes.
Comment: This variant is denoted POLE c.2171C>T at the cDNA level, p.Ala724Val (A724V) at the protein level, and results in the change of an Alanine to a Valine (GCG>GTG). This variant has been reported in at least one individual with breast cancer (Dominguez-Valentin 2018). POLE Ala724Val was observed at an allele frequency of 0.06% (68/114,056) in individuals of European ancestry in large population cohorts (Lek 2016). POLE Ala724Val is located in the polymerase domain (Preston 2010). While protein-based in silico analysis, which includes protein predictors and evolutionary conservation, supports that this variant does not alter protein structure/function, multiple splicing models predict that this variant may create a cryptic splice donor site and lead to abnormal splicing. However, in the absence of RNA or functional studies, the actual effect of this variant is unknown. Based on currently available evidence, it is unclear whether POLE Ala724Val is a pathogenic or benign variant. We consider it to be a variant of uncertain significance.

Mendelics
Classification: Uncertain significance for Familial colorectal cancer. Last evaluated: 2018-07-02. Review status: criteria provided, single submitter. Criteria: Mendelics Assertion Criteria 2017. Collection method: clinical testing. Allele origin: unknown.

Literature cited by the submitters: PubMed 29371908 (cited by Quest Diagnostics Nichols Institute San Juan Capistrano); PubMed 28427513 (cited by Quest Diagnostics Nichols Institute San Juan Capistrano).

NM_006231.4(POLE):c.2171C>T (p.Ala724Val)

Gene: POLE (DNA polymerase epsilon, catalytic subunit; minus strand). Cytogenetic location: 12q24.33.
Variant type: single nucleotide variant.
Coding change: c.2171C>T on transcript NM_006231.4 (MANE Select); coding-DNA position 2171, C replaced by T.
Protein change: p.Ala724Val; replaces alanine 724 with valine.
Molecular consequence: missense variant.
Genome position (GRCh38, 1-based): chr12:132,668,358, G>A on the plus strand (C>T on the coding strand, the complement: POLE is on the minus strand). VCF-style: chr12-132668358-G-A. GRCh37 (hg19) VCF-style: chr12-133244944-G-A.
Other names: short protein forms A724V.
Identifiers: ClinVar variation 240427 (VCV000240427.31), dbSNP rs61734163, ClinGen allele CA6893662.
Genomic context (GRCh38, chr12:132,668,358, plus strand): 5'-ACAGAAAGTGGGAGCAGGAGCCACATCTTTACAGCCGTGACCATGCCCAGGCACTCACCC[G>A]CCAGCCTTCTCTTCTCGTATTTCGCCTGTTCCTCGCGGGACAGTTCATGAAAGGCCCGAG-3'
Protein context (NP_006222.2, residues 714-734): EQAKYEKRRL[Ala724Val]DYCRKAYKKI